The following is an entry in ClinVar:

NC_012920.1(MT-CO2):m.7671T>A

Gene: MT-CO2 (mitochondrially encoded cytochrome c oxidase II; plus strand).
Variant type: single nucleotide variant.
Genome position: chrM-7671-T-A.
Other names: 7671T-A.
Identifiers: ClinVar variation 9660 (VCV000009660.2), dbSNP rs199474827, ClinGen allele CA120605.
Genomic context (GRCh38, chrMT:7,671, plus strand): 5'-TACAAGACGCTACTTCCCCTATCATAGAAGAGCTTATCACCTTTCATGATCACGCCCTCA[T>A]AATCATTTTCCTTATCTGCTTCCTAGTCCTGTATGCCCTTTTCCTAACACTCACAACAAA-3'

ClinVar aggregate classification (germline): Uncertain significance. Review status: reviewed by expert panel (3 of 4 stars). 2 submissions from 2 submitters: Uncertain significance (1). 1 of the submissions does not count toward it. Last evaluated 2023-11-28.

Conditions:
Mitochondrial disease. Also called: Mitochondrial disorder; Mitochondrial disorders. Identifiers: Orphanet 68380, MedGen C0751651, MeSH D028361, MONDO:0044970.
Mitochondrial complex IV deficiency, nuclear type 1 (MC4DN1). Also called: COX DEFICIENCY; Mitochondrial complex IV deficiency; Complex 4 mitochondrial respiratory chain deficiency; Deficiency of mitochondrial respiratory chain complex4; Complex IV deficiency. Identifiers: MedGen C5435656, MONDO:0700250, OMIM 220110. Disease mechanism: loss of function.

Submissions (2):

ClinGen Mitochondrial Disease Nuclear and Mitochondrial  Variant Curation Expert Panel, ClinGen
Classification: Uncertain significance for Mitochondrial disease. Last evaluated: 2023-11-28. Review status: reviewed by expert panel. Criteria: clingen mito disease acmg specifications v1-1. Collection method: curation. Allele origin: germline. Inheritance: Mitochondrial inheritance.
Comment: The m.7671T>A (p.M29K) variant in MT-CO2 has been reported in two unrelated individuals with primary mitochondrial disease to date. Skeletal muscle biopsies revealed severe COX deficiency, increased SDH staining, and absence of ragged red fibers. Variant heteroplasmy was 90% in muscle and 4.5% - 6% in blood. Serum creatine kinase levels were elevated and muscle biopsy revealed scattered COX-negative fibers with increased SDH staining. This variant was observed at 52% heteroplasmy, presumably in the muscle sample (PMID: 32800583). Haplogroup information was not reported for both cases precluding consideration for PS4. This variant occurred de novo in one individual (absent in blood from mother; PM6_supporting, PMID: 10486321). Single fiber testing showed higher levels of the variant in COX negative fibers (81%, n=13) than in COX positive fibers (45%, n=4), p<0.01 (PS3_supporting, PMID: 10486321). The computational predictors APOGEE1 and APOGEE2 give a consensus rating of pathogenic with raw scores of 0.90 and 0.942, respectively (Min=0, Max=1), which predict a damaging effect on gene function (PP3). This variant is absent in the GenBank dataset, Helix dataset, and gnomAD v3.1.2 (PM2_supporting). In summary, this variant meets criteria to be classified as uncertain significance for primary mitochondrial disease inherited in a mitochondrial manner. This classification was approved by the NICHD/NINDS U24 ClinGen Mitochondrial Disease Variant Curation Expert Panel on November 28, 2023. Mitochondrial DNA-specific ACMG/AMP criteria applied (PMID: 32906214): PM6_supporting, PS3_supporting, PM2_supporting, PP3.

OMIM
Classification: Pathogenic for CYTOCHROME c OXIDASE DEFICIENCY. Last evaluated: 1999-10-01. Review status: no assertion criteria provided. Collection method: literature only. Allele origin: germline. Not counted in ClinVar's aggregate classification.

Literature cited by the submitters: PubMed 10486321 (cited by ClinGen Mitochondrial Disease Nuclear and Mitochondrial  Variant Curation Expert Panel, ClinGen and OMIM).